The following is an entry in ClinVar:

NM_194277.3(FRMD7):c.629G>A (p.Gly210Glu)

Gene: FRMD7 (FERM domain containing 7; minus strand). Cytogenetic location: Xq26.2.
Variant type: single nucleotide variant.
Coding change: c.629G>A on transcript NM_194277.3 (MANE Select); coding-DNA position 629, G replaced by A.
Protein change: p.Gly210Glu; replaces glycine 210 with glutamic acid.
Molecular consequence: missense variant.
Genome position (GRCh38, 1-based): chrX:132,085,597, C>T on the plus strand (G>A on the coding strand, the complement: FRMD7 is on the minus strand). VCF-style: chrX-132085597-C-T. GRCh37 (hg19) VCF-style: chrX-131219625-C-T.
Other names: c.584G>A, p.Gly195Glu (NM_001306193.2); short protein forms G195E, G210E.
Identifiers: ClinVar variation 4711539 (VCV004711539.1).
Genomic context (GRCh38, chrX:132,085,597, plus strand): 5'-ACCCCTCACTAAAGCTGAAGGGCTTGAAAGGAAAGAGATTTTACCCGTAACACCAGTACT[C>T]CCATGTGAGCAACAGCCAGGTGAATCTGCATCCCTTCACCATCACTGGCGGGGTGAGGCC-3'
Protein context (NP_919253.1, residues 200-220): MQIHLAVAHM[Gly210Glu]VLVLRGNTKI

ClinVar aggregate classification (germline): Uncertain significance (1 of 4 stars; one submission).

Submission:

Labcorp Genetics (formerly Invitae), Labcorp
Classification: Uncertain significance. Last evaluated: 2025-06-22. Review status: criteria provided, single submitter. Criteria: Invitae Variant Classification Sherloc (09022015). Collection method: clinical testing. Allele origin: germline.
Comment: This sequence change replaces glycine, which is neutral and non-polar, with glutamic acid, which is acidic and polar, at codon 210 of the FRMD7 protein (p.Gly210Glu). This variant is not present in population databases (gnomAD no frequency). This variant has not been reported in the literature in individuals affected with FRMD7-related conditions. An algorithm developed to predict the effect of missense changes on protein structure and function (PolyPhen-2) suggests that this variant is likely to be disruptive. In summary, the available evidence is currently insufficient to determine the role of this variant in disease. Therefore, it has been classified as a Variant of Uncertain Significance.